The following is an entry in ClinVar:

ClinVar aggregate classification (germline): Conflicting classifications of pathogenicity. Review status: criteria provided, conflicting classifications (1 of 4 stars). 4 submissions from 4 submitters: Uncertain significance (1); Likely benign (3). Last evaluated 2025-12-12.

Conditions:
Hypertrophic cardiomyopathy 26. Also called: Cardiomyopathy, familial hypertrophic, 26. Identifiers: Orphanet 75249, MedGen C4310749, MONDO:0014883, OMIM 617047.
Distal myopathy with posterior leg and anterior hand involvement. Also called: WILLIAMS DISTAL MYOPATHY. Identifiers: Orphanet 63273, MedGen C3279722, MONDO:0013550, OMIM 614065.
Myofibrillar myopathy 5. Also called: FILAMINOPATHY, AUTOSOMAL DOMINANT; Filaminopathy (type). Identifiers: Orphanet 171445, MedGen C1836050, MONDO:0012289, OMIM 609524.
FLNC-related disorder. Also called: FLNC-related condition; FLNC-related disorders.
Cardiovascular phenotype. Identifiers: MedGen CN230736.

Allele frequency attached by ClinVar (database versions not stated): gnomAD 0.00001; gnomAD exomes 0.00001; TOPMed 0.00001; ExAC 0.00001.
gnomAD v4.1: 11 of 1,613,774 alleles (0.00068%); highest among the groups gnomAD compares: Admixed American, 0.005%; no homozygotes.

Submissions (4):

PreventionGenetics, part of Exact Sciences
Classification: Likely benign for FLNC-related condition. Last evaluated: 2025-12-12. Review status: criteria provided, single submitter. Criteria: ACMG Guidelines, 2015. Collection method: clinical testing. Allele origin: germline.
Comment: This variant is classified as likely benign based on ACMG/AMP sequence variant interpretation guidelines (Richards et al. 2015 PMID: 25741868, with internal and published modifications).

Labcorp Genetics (formerly Invitae), Labcorp
Classification: Likely benign for Distal myopathy with posterior leg and anterior hand involvement; Myofibrillar myopathy 5; Hypertrophic cardiomyopathy 26. Last evaluated: 2024-05-23. Review status: criteria provided, single submitter. Criteria: Invitae Variant Classification Sherloc (09022015). Collection method: clinical testing. Allele origin: germline.

Ambry Genetics
Classification: Likely benign for Cardiovascular phenotype. Last evaluated: 2023-03-16. Review status: criteria provided, single submitter. Criteria: Ambry Variant Classification Scheme 2023. Collection method: clinical testing. Allele origin: germline.

Fulgent Genetics
Classification: Uncertain significance for Myofibrillar myopathy 5; Distal myopathy with posterior leg and anterior hand involvement; Hypertrophic cardiomyopathy 26. Last evaluated: 2022-02-07. Review status: criteria provided, single submitter. Criteria: ACMG Guidelines, 2015. Collection method: clinical testing. Allele origin: unknown.

NM_001458.5(FLNC):c.2424C>T (p.Gly808=)

Gene: FLNC (filamin C; plus strand). Cytogenetic location: 7q32.1.
Variant type: single nucleotide variant.
Coding change: c.2424C>T on transcript NM_001458.5 (MANE Select); coding-DNA position 2424, C replaced by T.
Protein change: p.Gly808=; no amino-acid change (glycine 808 retained).
Molecular consequence: synonymous variant.
Genome position (GRCh38, 1-based): chr7:128,842,828, C>T. VCF-style: chr7-128842828-C-T. GRCh37 (hg19) VCF-style: chr7-128482882-C-T.
Other names: c.2424C>T (NM_001458.4); c.2424C>T, p.Gly808= (NM_001127487.2).
Identifiers: ClinVar variation 1061043 (VCV001061043.13), dbSNP rs764991202, ClinGen allele CA4474731.